The following is an entry in ClinVar:

ClinVar aggregate classification (germline): Uncertain significance (1 of 4 stars; one submission).

Conditions:
Fanconi anemia (FA). Also called: Fanconi's anemia. Identifiers: Orphanet 84, MedGen C0015625, MeSH D005199, MONDO:0019391.

Allele frequency attached by ClinVar (database versions not stated): gnomAD 0.00001; TOPMed 0.00002; gnomAD exomes 0.00004.
gnomAD v4.1: 56 of 1,612,854 alleles (0.0035%); highest among the groups gnomAD compares: Non-Finnish European, 0.0047%; no homozygotes.

Submission:

Labcorp Genetics (formerly Invitae), Labcorp
Classification: Uncertain significance for Fanconi anemia. Last evaluated: 2022-02-01. Review status: criteria provided, single submitter. Criteria: Invitae Variant Classification Sherloc (09022015). Collection method: clinical testing. Allele origin: germline.
Comment: This sequence change replaces proline, which is neutral and non-polar, with serine, which is neutral and polar, at codon 982 of the FANCD2 protein (p.Pro982Ser). This variant is present in population databases (no rsID available, gnomAD 0.003%). This variant has not been reported in the literature in individuals affected with FANCD2-related conditions. Algorithms developed to predict the effect of missense changes on protein structure and function (SIFT, PolyPhen-2, Align-GVGD) all suggest that this variant is likely to be tolerated. In summary, the available evidence is currently insufficient to determine the role of this variant in disease. Therefore, it has been classified as a Variant of Uncertain Significance.

NM_001018115.3(FANCD2):c.2944C>T (p.Pro982Ser)

Genes: FANCD2 (FA complementation group D2; plus strand), LOC107303338 (3p25 FANCD2 Alu-mediated recombination region; plus strand). Cytogenetic location: 3p25.3.
Variant type: single nucleotide variant.
Coding change: c.2944C>T on transcript NM_001018115.3 (MANE Select); coding-DNA position 2944, C replaced by T.
Protein change: p.Pro982Ser; replaces proline 982 with serine.
Molecular consequence: missense variant.
Genome position (GRCh38, 1-based): chr3:10,078,165, C>T. VCF-style: chr3-10078165-C-T. GRCh37 (hg19) VCF-style: chr3-10119849-C-T.
Other names: c.2944C>T, p.Pro982Ser (NM_001319984.2, NM_001374254.1, NM_033084.6); c.2833C>T, p.Pro945Ser (NM_001374253.1); short protein forms P945S, P982S.
Identifiers: ClinVar variation 2190044 (VCV002190044.1), dbSNP rs1051740558, ClinGen allele CA70024013.